The following is an entry in ClinVar:

NM_003238.6(TGFB2):c.457C>G (p.Arg153Gly)

Gene: TGFB2 (transforming growth factor beta 2; plus strand). Cytogenetic location: 1q41.
Variant type: single nucleotide variant.
Coding change: c.457C>G on transcript NM_003238.6 (MANE Select); coding-DNA position 457, C replaced by G.
Protein change: p.Arg153Gly; replaces arginine 153 with glycine.
Molecular consequence: missense variant. On other transcripts: non-coding transcript variant (2).
Genome position (GRCh38, 1-based): chr1:218,405,279, C>G. VCF-style: chr1-218405279-C-G. GRCh37 (hg19) VCF-style: chr1-218578621-C-G.
Other names: c.541C>G, p.Arg181Gly (NM_001135599.4); short protein forms R153G, R181G.
Identifiers: ClinVar variation 4681808 (VCV004681808.5).

ClinVar aggregate classification (germline): Uncertain significance (1 of 4 stars; one submission).

Submission:

CeGaT Center for Human Genetics Tuebingen
Classification: Uncertain significance. Last evaluated: 2025-11-01. Review status: criteria provided, single submitter. Criteria: CeGaT Center For Human Genetics Tuebingen Variant Classification Criteria Version 2. Collection method: clinical testing. Allele origin: germline. Affected: yes. Observed: 1 variant allele.
Comment: TGFB2: PM2